The following is an entry in ClinVar:

NC_000017.11:g.(?_35106376)_(35107457_?)del

Gene: RAD51D (RAD51 paralog D; minus strand). Cytogenetic location: 17q12.
Variant type: Deletion.
Identifiers: ClinVar variation 832402 (VCV000832402.2).

ClinVar aggregate classification (germline): Pathogenic (1 of 4 stars; one submission).

Conditions:
Breast-ovarian cancer, familial, susceptibility to, 4. Identifiers: Orphanet 145, MedGen C3280345, MONDO:0013669, OMIM 614291.

Submission:

Labcorp Genetics (formerly Invitae), Labcorp
Classification: Pathogenic for Breast-ovarian cancer, familial, susceptibility to, 4. Last evaluated: 2022-01-17. Review status: criteria provided, single submitter. Criteria: Invitae Variant Classification Sherloc (09022015). Collection method: clinical testing. Allele origin: germline.
Comment: This variant is a gross deletion of the genomic region encompassing exon(s) 4-6 of the RAD51D gene. This deletion is out-of-frame, and is expected to create a premature termination codon and result in an absent or disrupted protein product. Loss-of-function variants in RAD51D are known to be pathogenic (PMID: 21822267). A similar copy number variant has been observed in individual(s) with fallopian tube cancer and uterine carcinosarcoma (Invitae). For these reasons, this variant has been classified as Pathogenic.

Literature cited by the submitters: PubMed 21822267.